The following is an entry in ClinVar:

NM_000548.5(TSC2):c.2742+15G>A

Gene: TSC2 (TSC complex subunit 2; plus strand). Cytogenetic location: 16p13.3.
Variant type: single nucleotide variant.
Coding change: c.2742+15G>A on transcript NM_000548.5 (MANE Select); 15 bases into the intron after coding-DNA position 2742, G replaced by A.
Molecular consequence: intron variant.
Genome position (GRCh38, 1-based): chr16:2,076,185, G>A. VCF-style: chr16-2076185-G-A. GRCh37 (hg19) VCF-style: chr16-2126186-G-A.
Other names: c.2742+15G>A (NM_001114382.3, NM_021055.3, NM_001370405.1 and 3 more transcripts); c.2631+15G>A (NM_001318827.2); c.2142+15G>A (NM_001318831.2); c.2595+15G>A (NM_001318829.2); c.2775+15G>A (NM_001318832.2).
Identifiers: ClinVar variation 49558 (VCV000049558.9), dbSNP rs45517261, ClinGen allele CA017988.

ClinVar aggregate classification (germline): Likely benign. Review status: criteria provided, multiple submitters, no conflicts (2 of 4 stars). 3 submissions from 3 submitters: Likely benign (2). 1 of the submissions does not count toward it. Last evaluated 2025-12-24.

Conditions:
Tuberous sclerosis syndrome (TSC). Also called: Tuberous Sclerosis Complex; Tuberous sclerosis. Identifiers: Orphanet 805, MedGen C0041341, MONDO:0001734.
Tuberous sclerosis 2 (TSC2). Identifiers: Orphanet 805, MedGen C1860707, MONDO:0013199, OMIM 613254.

Allele frequency attached by ClinVar (database versions not stated): gnomAD exomes 0.00001 and 0.00002; ExAC 0.00003; gnomAD 0.00004 and 0.00005; TOPMed 0.00005; ESP Exome Variant Server 0.00008.
gnomAD v4.1: 28 of 1,613,316 alleles (0.0017%); highest among the groups gnomAD compares: African/African-American, 0.008%; no homozygotes.

Submissions (3):

Labcorp Genetics (formerly Invitae), Labcorp
Classification: Likely benign for Tuberous sclerosis 2. Last evaluated: 2025-12-24. Review status: criteria provided, single submitter. Criteria: Invitae Variant Classification Sherloc (09022015). Collection method: clinical testing. Allele origin: germline.

GeneDx
Classification: Likely benign. Last evaluated: 2017-10-19. Review status: criteria provided, single submitter. Criteria: GeneDx Variant Classification (06012015). Collection method: clinical testing. Allele origin: germline. Affected: yes.
Comment: This variant is considered likely benign or benign based on one or more of the following criteria: it is a conservative change, it occurs at a poorly conserved position in the protein, it is predicted to be benign by multiple in silico algorithms, and/or has population frequency not consistent with disease.

Tuberous sclerosis database (TSC2)
No classification provided. Condition: TSC. Review status: no classification provided. Criteria: Tuberous Sclerosis Database Assertion Criteria 2015. Collection method: curation. Allele origin: germline. Affected: yes. Not counted in ClinVar's aggregate classification.